The following is an entry in ClinVar:

NM_001184880.2(PCDH19):c.1747A>T (p.Ile583Leu)

Gene: PCDH19 (protocadherin 19; minus strand). Cytogenetic location: Xq22.1.
Variant type: single nucleotide variant.
Coding change: c.1747A>T on transcript NM_001184880.2 (MANE Select); coding-DNA position 1747, A replaced by T.
Protein change: p.Ile583Leu; replaces isoleucine 583 with leucine.
Molecular consequence: missense variant.
Genome position (GRCh38, 1-based): chrX:100,406,851, T>A on the plus strand (A>T on the coding strand, the complement: PCDH19 is on the minus strand). VCF-style: chrX-100406851-T-A. GRCh37 (hg19) VCF-style: chrX-99661849-T-A.
Other names: c.1747A>T, p.Ile583Leu (NM_001105243.2, NM_020766.3); short protein forms I583L.
Identifiers: ClinVar variation 4855453 (VCV004855453.1).

ClinVar aggregate classification (germline): Uncertain significance (1 of 4 stars; one submission).

Conditions:
Developmental and epileptic encephalopathy, 9 (DEE9). Also called: JUBERG-HELLMAN SYNDROME; PCDH19-Related X-Linked Female-Limited Epilepsy with Mental Retardation; Early infantile epileptic encephalopathy 9; EPILEPSY, FEMALE-RESTRICTED, WITH MENTAL RETARDATION. Identifiers: Orphanet 101039, Orphanet 2076, MedGen C1848137, MONDO:0010246, OMIM 300088. Disease mechanism: loss of function.

Submission:

3billion
Classification: Uncertain significance for Developmental and epileptic encephalopathy, 9. Last evaluated: 2025-12-05. Review status: criteria provided, single submitter. Criteria: ACMG Guidelines, 2015. Collection method: clinical testing. Allele origin: germline. Affected: yes.
Comment: The variant is not observed in the gnomAD v4.1.0 dataset. Predicted Consequence/Location: Missense variant In silico tool predictions suggest damaging effect of the variant on gene or gene product [3Cnet: 0.89 (> 0.75, sensitivity 0.96 and precision 0.92)]. A different missense change at the same codon (p.Ile583Thr) has been reported to be associated with PCDH19-related disorder (PMID: 29377098). However the evidence of pathogenicity is insufficient at this time. Therefore, this variant is classified as VUS according to the recommendation of ACMG/AMP guideline.

Literature cited by the submitters: PubMed 29377098.